The following is an entry in ClinVar:

ClinVar aggregate classification (germline): Uncertain significance (1 of 4 stars; one submission).

Conditions:
Hereditary cancer-predisposing syndrome. Also called: Tumor predisposition; Neoplastic Syndromes, Hereditary; Hereditary Cancer Syndrome; Hereditary neoplastic syndrome. Identifiers: Orphanet 140162, MedGen C0027672, MeSH D009386, MONDO:0015356.

Submission:

Ambry Genetics
Classification: Uncertain significance for Hereditary cancer-predisposing syndrome. Last evaluated: 2024-12-18. Review status: criteria provided, single submitter. Criteria: Ambry Variant Classification Scheme 2023. Collection method: clinical testing. Allele origin: germline.
Comment: The p.A214E variant (also known as c.641C>A), located in coding exon 5 of the APC gene, results from a C to A substitution at nucleotide position 641. The alanine at codon 214 is replaced by glutamic acid, an amino acid with dissimilar properties. This amino acid position is conserved. In addition, in silico predictors for this gene do not accurately predict pathogenicity. Based on the available evidence, the clinical significance of this variant remains unclear.

NM_000038.6(APC):c.641C>A (p.Ala214Glu)

Gene: APC (APC regulator of Wnt signaling pathway; plus strand). Cytogenetic location: 5q22.2.
Variant type: single nucleotide variant.
Coding change: c.641C>A on transcript NM_000038.6 (MANE Select); coding-DNA position 641, C replaced by A.
Protein change: p.Ala214Glu; replaces alanine 214 with glutamic acid.
Molecular consequence: missense variant. On other transcripts: 5 prime UTR variant (4), non-coding transcript variant (2).
Genome position (GRCh38, 1-based): chr5:112,780,899, C>A. VCF-style: chr5-112780899-C-A. GRCh37 (hg19) VCF-style: chr5-112116596-C-A.
Other names: c.641C>A, p.Ala214Glu (NM_001127510.3, NM_001354895.2, NM_001354896.2 and 16 more transcripts); c.671C>A, p.Ala224Glu (NM_001127511.3, NM_001354897.2, NM_001354902.2 and 1 more transcripts); c.566C>A, p.Ala189Glu (NM_001354898.2, NM_001354904.2, NM_001407451.1); c.464C>A, p.Ala155Glu (NM_001354900.2, NM_001354901.2, NM_001354905.2 and 1 more transcripts); c.-395C>A (NM_001354906.2, NM_001407470.1, NM_001407471.1 and 1 more transcripts); short protein forms A155E, A214E, A189E, A224E.
Identifiers: ClinVar variation 3881321 (VCV003881321.1).